The following is an entry in ClinVar:

NM_019066.5(MAGEL2):c.2209A>T (p.Thr737Ser)

Gene: MAGEL2 (MAGE family member L2; minus strand). Cytogenetic location: 15q11.2.
Variant type: single nucleotide variant.
Coding change: c.2209A>T on transcript NM_019066.5 (MANE Select); coding-DNA position 2209, A replaced by T.
Protein change: p.Thr737Ser; replaces threonine 737 with serine.
Molecular consequence: missense variant.
Genome position (GRCh38, 1-based): chr15:23,645,534, T>A on the plus strand (A>T on the coding strand, the complement: MAGEL2 is on the minus strand). VCF-style: chr15-23645534-T-A. GRCh37 (hg19) VCF-style: chr15-23890681-T-A.
Other names: short protein forms T737S.
Identifiers: ClinVar variation 2582113 (VCV002582113.1), dbSNP rs1383472918, ClinGen allele CA391332460.

ClinVar aggregate classification (germline): Uncertain significance (1 of 4 stars; one submission).

Submission:

GeneDx
Classification: Uncertain significance. Last evaluated: 2023-03-28. Review status: criteria provided, single submitter. Criteria: GeneDx Variant Classification Process June 2021. Collection method: clinical testing. Allele origin: germline. Affected: yes.
Comment: Not observed at significant frequency in large population cohorts (gnomAD); In silico analysis supports that this missense variant does not alter protein structure/function; Has not been previously published as pathogenic or benign to our knowledge